The following is an entry in ClinVar:

NM_021020.5(LZTS1):c.1527C>T (p.Ala509=)

Gene: LZTS1 (leucine zipper tumor suppressor 1; minus strand). Cytogenetic location: 8p21.3.
Variant type: single nucleotide variant.
Coding change: c.1527C>T on transcript NM_021020.5 (MANE Select); coding-DNA position 1527, C replaced by T.
Protein change: p.Ala509=; no amino-acid change (alanine 509 retained).
Molecular consequence: synonymous variant.
Genome position (GRCh38, 1-based): chr8:20,249,986, G>A on the plus strand (C>T on the coding strand, the complement: LZTS1 is on the minus strand). VCF-style: chr8-20249986-G-A. GRCh37 (hg19) VCF-style: chr8-20107497-G-A.
Other names: c.1527C>T, p.Ala509= (NM_001362884.2); c.1527C>T (NM_021020.3).
Identifiers: ClinVar variation 1548970 (VCV001548970.10), dbSNP rs142969550, ClinGen allele CA4657247.

ClinVar aggregate classification (germline): Benign. Review status: criteria provided, single submitter (1 of 4 stars). 2 submissions from 2 submitters: Benign (1). 1 of the submissions does not count toward it. Last evaluated 2025-11-26.

Conditions:
LZTS1-related disorder. Also called: LZTS1-related condition.

Allele frequency attached by ClinVar (database versions not stated): ESP Exome Variant Server 0.00015; TOPMed 0.00020; gnomAD 0.00025 and 0.00026; gnomAD exomes 0.00025; ExAC 0.00027; 1000 Genomes Project 30x 0.00047; 1000 Genomes Project 0.00060.
gnomAD v4.1: 399 of 1,613,622 alleles (0.025%); highest among the groups gnomAD compares: South Asian, 0.082%; 1 homozygote.

Submissions (2):

Labcorp Genetics (formerly Invitae), Labcorp
Classification: Benign. Last evaluated: 2025-11-26. Review status: criteria provided, single submitter. Criteria: Invitae Variant Classification Sherloc (09022015). Collection method: clinical testing. Allele origin: germline.

PreventionGenetics, part of Exact Sciences
Classification: Likely benign for LZTS1-related condition. Last evaluated: 2019-08-03. Review status: no assertion criteria provided. Collection method: clinical testing. Allele origin: germline. Not counted in ClinVar's aggregate classification.
Comment: This variant is classified as likely benign based on ACMG/AMP sequence variant interpretation guidelines (Richards et al. 2015 PMID: 25741868, with internal and published modifications).